The following is an entry in ClinVar:

ClinVar aggregate classification (germline): Uncertain significance. Review status: criteria provided, multiple submitters, no conflicts (2 of 4 stars). 3 submissions from 3 submitters: Uncertain significance (3). Last evaluated 2024-04-03.

Conditions:
Deficiency of adenosine deaminase 2. Also called: Polyarteritis nodosa, childhoood-onset; Adenosine Deaminase 2 Deficiency; VASCULITIS, AUTOINFLAMMATION, IMMUNODEFICIENCY, AND HEMATOLOGIC DEFECTS SYNDROME. Identifiers: Orphanet 404553, MedGen C3887654, MONDO:0014306, OMIM 615688, MONDO:0100317.
Sneddon syndrome (SNDNS). Also called: Idiopathic livedo reticularis with systemic involvement; LIVEDO RETICULARIS AND CEREBROVASCULAR ACCIDENTS. Identifiers: Orphanet 820, MedGen C0282492, MONDO:0008436, OMIM 182410.

Allele frequency attached by ClinVar (database versions not stated): TOPMed below 0.00001; gnomAD 0.00001; gnomAD exomes 0.00001 and 0.00002; ExAC 0.00003.
gnomAD v4.1: 13 of 1,614,034 alleles (0.00081%); highest among the groups gnomAD compares: Middle Eastern, 0.016%; no homozygotes.

Submissions (3):

Blueprint Genetics
Classification: Uncertain significance. Last evaluated: 2024-04-03. Review status: criteria provided, single submitter. Criteria: ACMG Guidelines, 2015. Collection method: clinical testing. Allele origin: germline.

Labcorp Genetics (formerly Invitae), Labcorp
Classification: Uncertain significance for Deficiency of adenosine deaminase 2. Last evaluated: 2022-10-24. Review status: criteria provided, single submitter. Criteria: Invitae Variant Classification Sherloc (09022015). Collection method: clinical testing. Allele origin: germline.
Comment: This sequence change replaces leucine, which is neutral and non-polar, with proline, which is neutral and non-polar, at codon 28 of the ADA2 protein (p.Leu28Pro). This variant is present in population databases (rs777404100, gnomAD 0.01%). This variant has not been reported in the literature in individuals affected with ADA2-related conditions. ClinVar contains an entry for this variant (Variation ID: 474909). Advanced modeling of protein sequence and biophysical properties (such as structural, functional, and spatial information, amino acid conservation, physicochemical variation, residue mobility, and thermodynamic stability) has been performed at Invitae for this missense variant, however the output from this modeling did not meet the statistical confidence thresholds required to predict the impact of this variant on ADA2 protein function. In summary, the available evidence is currently insufficient to determine the role of this variant in disease. Therefore, it has been classified as a Variant of Uncertain Significance.

Fulgent Genetics
Classification: Uncertain significance for Sneddon syndrome; Deficiency of adenosine deaminase 2. Last evaluated: 2021-12-27. Review status: criteria provided, single submitter. Criteria: ACMG Guidelines, 2015. Collection method: clinical testing. Allele origin: unknown.

NM_001282225.2(ADA2):c.83T>C (p.Leu28Pro)

Gene: ADA2 (adenosine deaminase 2; minus strand). Cytogenetic location: 22q11.1.
Variant type: single nucleotide variant.
Coding change: c.83T>C on transcript NM_001282225.2 (MANE Select); coding-DNA position 83, T replaced by C.
Protein change: p.Leu28Pro; replaces leucine 28 with proline.
Molecular consequence: missense variant. On other transcripts: 5 prime UTR variant (2), intron variant (1).
Genome position (GRCh38, 1-based): chr22:17,209,595, A>G on the plus strand (T>C on the coding strand, the complement: ADA2 is on the minus strand). VCF-style: chr22-17209595-A-G. GRCh37 (hg19) VCF-style: chr22-17690485-A-G.
Other names: c.83T>C, p.Leu28Pro (NM_001282226.2); c.-44T>C (NM_001282227.2, NM_001282228.2); c.-38-2305T>C (NM_001282229.2); short protein forms L28P.
Identifiers: ClinVar variation 474909 (VCV000474909.13), dbSNP rs777404100, ClinGen allele CA10088341.